The following is an entry in ClinVar:

ClinVar aggregate classification (germline): Uncertain significance (1 of 4 stars; one submission).

Conditions:
Brugada syndrome. Also called: Sudden unexpected nocturnal death syndrome; Sudden Unexplained Death Syndrome; Sudden Unexplained Nocturnal Death Syndrome (SUNDS); Sudden unexplained nocturnal death syndrome. Identifiers: Orphanet 130, MedGen C1142166, MONDO:0015263.

Submission:

Labcorp Genetics (formerly Invitae), Labcorp
Classification: Uncertain significance for Brugada syndrome. Last evaluated: 2021-12-17. Review status: criteria provided, single submitter. Criteria: Invitae Variant Classification Sherloc (09022015). Collection method: clinical testing. Allele origin: germline.
Comment: This variant is not present in population databases (gnomAD no frequency). This sequence change creates a premature translational stop signal (p.Asn1672Lysfs*26) in the SCN10A gene. While this is not anticipated to result in nonsense mediated decay, it is expected to disrupt the last 285 amino acid(s) of the SCN10A protein. This variant has not been reported in the literature in individuals affected with SCN10A-related conditions. In summary, the available evidence is currently insufficient to determine the role of this variant in disease. Therefore, it has been classified as a Variant of Uncertain Significance.

NM_006514.4(SCN10A):c.5016del (p.Asn1672fs)

Gene: SCN10A (sodium voltage-gated channel alpha subunit 10; minus strand). Cytogenetic location: 3p22.2.
Variant type: Deletion.
Coding change: c.5016del on transcript NM_006514.4 (MANE Select); coding-DNA position 5016, one base deleted (C; older notation c.5016delC).
Protein change: p.Asn1672fs; shifts the reading frame from asparagine 1672.
Molecular consequence: frameshift variant.
Genome position (GRCh38, 1-based): chr3:38,698,204, G deleted on the plus strand (C on the coding strand, the reverse complement: SCN10A is on the minus strand). VCF-style (leftmost placement, unchanged base first): chr3-38698203-TG-T. GRCh37 (hg19) VCF-style: chr3-38739694-TG-T.
Other names: c.5013del, p.Asn1671fs (NM_001293306.2); c.4722del, p.Asn1574fs (NM_001293307.2); short protein forms N1574fs, N1671fs, N1672fs.
Identifiers: ClinVar variation 1347348 (VCV001347348.6), dbSNP rs2125980037, ClinGen allele CA2573136302.